The following is an entry in ClinVar:

NM_000503.6(EYA1):c.647C>G (p.Pro216Arg)

Gene: EYA1 (EYA transcriptional coactivator and phosphatase 1; minus strand). Cytogenetic location: 8q13.3.
Variant type: single nucleotide variant.
Coding change: c.647C>G on transcript NM_000503.6 (MANE Select); coding-DNA position 647, C replaced by G.
Protein change: p.Pro216Arg; replaces proline 216 with arginine.
Molecular consequence: missense variant.
Genome position (GRCh38, 1-based): chr8:71,299,226, G>C on the plus strand (C>G on the coding strand, the complement: EYA1 is on the minus strand). VCF-style: chr8-71299226-G-C. GRCh37 (hg19) VCF-style: chr8-72211461-G-C.
Other names: c.629C>G, p.Pro210Arg (NM_001288574.2); c.281C>G, p.Pro94Arg (NM_001288575.2); c.734C>G, p.Pro245Arg (NM_001370333.1); c.647C>G, p.Pro216Arg (NM_001370334.1, NM_001370335.1, NM_172058.4); c.716C>G, p.Pro239Arg (NM_001370336.1); c.719C>G, p.Pro240Arg (NM_172059.5); short protein forms P210R, P239R, P240R, P245R, P216R, P94R.
Identifiers: ClinVar variation 666832 (VCV000666832.10), dbSNP rs200923204, ClinGen allele CA371467459.

ClinVar aggregate classification (germline): Conflicting classifications of pathogenicity. Review status: criteria provided, conflicting classifications (1 of 4 stars). 3 submissions from 3 submitters: Uncertain significance (2); Likely benign (1). Last evaluated 2025-01-17.

Conditions:
Melnick-Fraser syndrome (BOR). Also called: Branchio-oto-renal syndrome; Branchiootorenal Syndrome (BORS); Branchiootorenal syndrome. Identifiers: Orphanet 107, MedGen C0265234, MONDO:0007029.
Branchiootorenal syndrome 1. Also called: Branchio-Oto-Renal Syndrome 1. Identifiers: Orphanet 107, MedGen C4551702, MONDO:0007236, OMIM 113650.
Branchiootic syndrome 1 (BOS1). Also called: BO SYNDROME 1; BRANCHIOOTIC DYSPLASIA. Identifiers: MedGen C1865143, MONDO:0011258, OMIM 602588.
Otofaciocervical syndrome 1 (OTFCS). Identifiers: MedGen C3714941, MONDO:0024532, OMIM 166780.

Allele frequency attached by ClinVar (database versions not stated): TOPMed 0.00001.
gnomAD v4.1: 2 of 1,613,912 alleles (0.00012%); highest among the groups gnomAD compares: Non-Finnish European, 0.00017%; no homozygotes.

Submissions (3):

Labcorp Genetics (formerly Invitae), Labcorp
Classification: Likely benign for Melnick-Fraser syndrome. Last evaluated: 2025-01-17. Review status: criteria provided, single submitter. Criteria: Invitae Variant Classification Sherloc (09022015). Collection method: clinical testing. Allele origin: germline.

Fulgent Genetics
Classification: Uncertain significance for Branchiootorenal syndrome 1; Otofaciocervical syndrome 1; Branchiootic syndrome 1. Last evaluated: 2024-02-19. Review status: criteria provided, single submitter. Criteria: ACMG Guidelines, 2015. Collection method: clinical testing. Allele origin: germline.

Laboratory for Molecular Medicine, Mass General Brigham Personalized Medicine
Classification: Uncertain significance. Last evaluated: 2018-05-21. Review status: criteria provided, single submitter. Criteria: LMM Criteria. Collection method: clinical testing. Allele origin: germline. Observed: 1 variant allele.
Comment: The p.Pro216Arg variant in EYA1 has not been previously reported in individuals with hearing loss or Branchio-oto-renal syndrome (BOR) and was absent from large population studies. Another variant of uncertain significance at the same resi due (p.Pro216Leu) has been reported in an individual with ureteropelvic junction obstruction, but no additional features of BOR (Hoskins 2008, Hwang 2014). Co mputational prediction tools and conservation analysis do not provide strong sup port for or against an impact to the protein. In summary, the clinical significa nce of the p.Pro216Arg variant is uncertain. ACMG/AMP Criteria applied: PM2.

Literature cited by the submitters: PubMed 24429398 (cited by Laboratory for Molecular Medicine, Mass General Brigham Personalized Medicine); PubMed 18065799 (cited by Laboratory for Molecular Medicine, Mass General Brigham Personalized Medicine).